The following is an entry in ClinVar:

NM_012470.4(TNPO3):c.2385C>T (p.Val795=)

Gene: TNPO3 (transportin 3; minus strand). Cytogenetic location: 7q32.1.
Variant type: single nucleotide variant.
Coding change: c.2385C>T on transcript NM_012470.4 (MANE Select); coding-DNA position 2385, C replaced by T.
Protein change: p.Val795=; no amino-acid change (valine 795 retained).
Molecular consequence: synonymous variant. On other transcripts: non-coding transcript variant (18).
Genome position (GRCh38, 1-based): chr7:128,972,471, G>A on the plus strand (C>T on the coding strand, the complement: TNPO3 is on the minus strand). VCF-style: chr7-128972471-G-A. GRCh37 (hg19) VCF-style: chr7-128612525-G-A.
Other names: c.2193C>T, p.Val731= (NM_001191028.3, NM_001382223.1); c.2487C>T, p.Val829= (NM_001382216.1); c.2466C>T, p.Val822= (NM_001382217.1); c.2385C>T, p.Val795= (NM_001382218.1); c.2277C>T, p.Val759= (NM_001382219.1); c.2244C>T, p.Val748= (NM_001382220.1); c.2241C>T, p.Val747= (NM_001382221.1); c.2238C>T, p.Val746= (NM_001382222.1).
Identifiers: ClinVar variation 508200 (VCV000508200.4), dbSNP rs1057064473, ClinGen allele CA166244460.

ClinVar aggregate classification (germline): Likely benign. Review status: criteria provided, multiple submitters, no conflicts (2 of 4 stars). 2 submissions from 2 submitters: Likely benign (2). Last evaluated 2024-01-06.

Conditions:
Autosomal dominant limb-girdle muscular dystrophy type 1F (LGMDD2). Also called: Limb-girdle muscular dystrophy, type 1F; MUSCULAR DYSTROPHY, LIMB-GIRDLE, AUTOSOMAL DOMINANT 2. Identifiers: Orphanet 55595, MedGen C1842062, MONDO:0012034, OMIM 608423.

Allele frequency attached by ClinVar (database versions not stated): gnomAD exomes 0.00001; TOPMed 0.00001; gnomAD 0.00002.
gnomAD v4.1: 13 of 1,614,012 alleles (0.00081%); highest among the groups gnomAD compares: African/African-American, 0.0027%; no homozygotes.

Submissions (2):

Labcorp Genetics (formerly Invitae), Labcorp
Classification: Likely benign for Autosomal dominant limb-girdle muscular dystrophy type 1F. Last evaluated: 2024-01-06. Review status: criteria provided, single submitter. Criteria: Invitae Variant Classification Sherloc (09022015). Collection method: clinical testing. Allele origin: germline.

GeneDx
Classification: Likely benign. Last evaluated: 2017-03-21. Review status: criteria provided, single submitter. Criteria: GeneDx Variant Classification (06012015). Collection method: clinical testing. Allele origin: germline. Affected: yes.
Comment: This variant is considered likely benign or benign based on one or more of the following criteria: it is a conservative change, it occurs at a poorly conserved position in the protein, it is predicted to be benign by multiple in silico algorithms, and/or has population frequency not consistent with disease.